The following is an entry in ClinVar:

ClinVar aggregate classification (germline): Pathogenic. Review status: reviewed by expert panel (3 of 4 stars). 2 submissions from 2 submitters: Pathogenic (1). 1 of the submissions does not count toward it. Last evaluated 2016-09-08.

Conditions:
Breast-ovarian cancer, familial, susceptibility to, 1 (BROVCA1). Also called: BRCA1 Hereditary Breast and Ovarian Cancer; OVARIAN CANCER, SUSCEPTIBILITY TO. Identifiers: Orphanet 145, MedGen C2676676, MONDO:0011450, OMIM 604370. Disease mechanism: loss of function.

Submissions (2):

Evidence-based Network for the Interpretation of Germline Mutant Alleles (ENIGMA)
Classification: Pathogenic for Breast-ovarian cancer, familial, susceptibility to, 1. Last evaluated: 2016-09-08. Review status: reviewed by expert panel. Criteria: ENIGMA BRCA1/2 Classification Criteria (2015). Collection method: curation. Allele origin: germline.
Comment: Variant allele predicted to encode a truncated non-functional protein.

Sharing Clinical Reports Project (SCRP)
Classification: Pathogenic for Breast-ovarian cancer, familial 1. Last evaluated: 2009-05-06. Review status: no assertion criteria provided. Collection method: clinical testing. Allele origin: germline. Not counted in ClinVar's aggregate classification.

NM_007294.4(BRCA1):c.3204del (p.Gln1069fs)

Gene: BRCA1 (BRCA1 DNA repair associated; minus strand). Cytogenetic location: 17q21.31.
Variant type: Deletion.
Coding change: c.3204del on transcript NM_007294.4 (MANE Select); coding-DNA position 3204, one base deleted (T; older notation c.3204delT).
Protein change: p.Gln1069fs; shifts the reading frame from glutamine 1069.
Molecular consequence: frameshift variant. On other transcripts: intron variant (137).
Genome position (GRCh38, 1-based): chr17:43,092,327, A deleted on the plus strand (T on the coding strand, the reverse complement: BRCA1 is on the minus strand); the first of 2 consecutive A bases (chr17:43,092,327-43,092,328); deleting either gives the same sequence. VCF-style (leftmost placement, unchanged base first): chr17-43092326-GA-G. GRCh37 (hg19) VCF-style: chr17-41244343-GA-G.
Other names: 3323delT; c.2991del, p.Gln998fs (NM_001407897.1, NM_001407898.1, NM_001407899.1 and 9 more transcripts); c.2994del, p.Gln999fs (NM_001407900.1, NM_001407902.1, NM_001407904.1 and 13 more transcripts); c.3081del, p.Gln1028fs (NM_001407919.1, NM_001407937.1, NM_001407938.1 and 19 more transcripts); c.2940del, p.Gln981fs (NM_001407920.1, NM_001407921.1, NM_001407922.1 and 9 more transcripts); c.2937del, p.Gln980fs (NM_001407930.1, NM_001407931.1, NM_001407932.1 and 2 more transcripts); c.3078del, p.Gln1027fs (NM_001407940.1, NM_001407941.1, NM_001407649.1 and 11 more transcripts); c.3063del, p.Gln1022fs (NM_001407942.1, NM_001407944.1, NM_001407945.1 and 29 more transcripts); and 43 more; short protein forms Q1069fs, Q1022fs, Q1021fs, Q1028fs, Q901fs, Q980fs, Q1002fs, Q1068fs.
Identifiers: ClinVar variation 91607 (VCV000091607.3), dbSNP rs398122673, ClinGen allele CA002081.
Genomic context (GRCh38, chr17:43,092,326, plus strand): 5'-AAACCCCTAATCTAAGCATAGCATTCAATTTTGGCCCTCTGTTTCTACCTAGTTCTGCTT[GA>G]ATGTTTTCATCACTGGAACCTATTTCATTAATACTGGAGCCCACTTCATTAGTACTGGAA-3'